The following is an entry in ClinVar:

ClinVar aggregate classification (germline): Uncertain significance (1 of 4 stars; one submission).

Conditions:
Hereditary spastic paraplegia 53. Also called: Spastic paraplegia 53, autosomal recessive. Identifiers: Orphanet 319199, MedGen C3539494, MONDO:0013962, OMIM 614898.

Allele frequency attached by ClinVar (database versions not stated): gnomAD exomes below 0.00001; TOPMed 0.00002; gnomAD 0.00004 and 0.00005.
gnomAD v4.1: 9 of 1,612,194 alleles (0.00056%); highest among the groups gnomAD compares: African/African-American, 0.011%; no homozygotes.

Submission:

Baylor Genetics
Classification: Uncertain significance for Hereditary spastic paraplegia 53. Last evaluated: 2019-02-13. Review status: criteria provided, single submitter. Criteria: ACMG Guidelines, 2015. Collection method: clinical testing. Allele origin: unknown. Affected: yes.
Comment: This variant was determined to be of uncertain significance according to ACMG Guidelines, 2015 [PMID:25741868].

NM_152415.3(VPS37A):c.215A>T (p.Gln72Leu)

Gene: VPS37A (VPS37A subunit of ESCRT-I; plus strand). Cytogenetic location: 8p22.
Variant type: single nucleotide variant.
Coding change: c.215A>T on transcript NM_152415.3 (MANE Select); coding-DNA position 215, A replaced by T.
Protein change: p.Gln72Leu; replaces glutamine 72 with leucine.
Molecular consequence: missense variant. On other transcripts: 5 prime UTR variant (5).
Genome position (GRCh38, 1-based): chr8:17,268,272, A>T. VCF-style: chr8-17268272-A-T. GRCh37 (hg19) VCF-style: chr8-17125781-A-T.
Other names: c.140A>T, p.Gln47Leu (NM_001145152.2); c.215A>T, p.Gln72Leu (NM_001363167.1, NM_001363173.2); c.-56A>T (NM_001363168.1, NM_001363169.1, NM_001363170.1 and 2 more transcripts); short protein forms Q47L, Q72L.
Identifiers: ClinVar variation 1029198 (VCV001029198.1), dbSNP rs758481758, ClinGen allele CA370406335.
Genomic context (GRCh38, chr8:17,268,272, plus strand): 5'-CTTTGTTATCTTTGTTTTTGTTTTTCATCTGTTCTACCTCTACCAGATTGCTTCCTCCAC[A>T]GTTTCCTCAGGAAAAACCAGTGATCAGTGTTTATCCACCAATACGACATCACTTAATGGA-3'
Protein context (NP_689628.2, residues 62-82): TININILLPP[Gln72Leu]FPQEKPVISV